The following is an entry in ClinVar:

NM_020693.4(DSCAML1):c.1383G>A (p.Met461Ile)

Gene: DSCAML1 (DS cell adhesion molecule like 1; minus strand). Cytogenetic location: 11q23.3.
Variant type: single nucleotide variant.
Coding change: c.1383G>A on transcript NM_020693.4 (MANE Select); coding-DNA position 1383, G replaced by A.
Protein change: p.Met461Ile; replaces methionine 461 with isoleucine.
Molecular consequence: missense variant.
Genome position (GRCh38, 1-based): chr11:117,518,593, C>T on the plus strand (G>A on the coding strand, the complement: DSCAML1 is on the minus strand). VCF-style: chr11-117518593-C-T. GRCh37 (hg19) VCF-style: chr11-117389308-C-T.
Other names: c.1383G>A, p.Met461Ile (NM_001367904.1); c.975G>A, p.Met325Ile (NM_001367905.1); short protein forms M325I, M461I.
Identifiers: ClinVar variation 2539852 (VCV002539852.5), dbSNP rs746033123, ClinGen allele CA6297278.
Genomic context (GRCh38, chr11:117,518,593, plus strand): 5'-GCCCCCGTCGCGGATCTGGGGGCCTGTGACGTTCATGTGGCTGATGGTGGTGCCGTCCGA[C>T]ATGGTGTACTGGTTGGTGCGGTGGCTGCCATCCCGCACGATGGGCTCATCGTCGAGGGCC-3'
Protein context (NP_065744.3, residues 451-471): DGSHRTNQYT[Met461Ile]SDGTTISHMN

ClinVar aggregate classification (germline): Uncertain significance. Review status: criteria provided, multiple submitters, no conflicts (2 of 4 stars). 2 submissions from 2 submitters: Uncertain significance (2). Last evaluated 2024-01-20.

Allele frequency attached by ClinVar (database versions not stated): TOPMed 0.00002; ExAC 0.00003; gnomAD 0.00003; gnomAD exomes 0.00005.
gnomAD v4.1: 80 of 1,613,922 alleles (0.005%); highest among the groups gnomAD compares: Non-Finnish European, 0.0067%; no homozygotes.

Submissions (2):

Labcorp Genetics (formerly Invitae), Labcorp
Classification: Uncertain significance. Last evaluated: 2024-01-20. Review status: criteria provided, single submitter. Criteria: Invitae Variant Classification Sherloc (09022015). Collection method: clinical testing. Allele origin: germline.
Comment: This sequence change replaces methionine, which is neutral and non-polar, with isoleucine, which is neutral and non-polar, at codon 521 of the DSCAML1 protein (p.Met521Ile). This variant is present in population databases (rs746033123, gnomAD 0.005%). This variant has not been reported in the literature in individuals affected with DSCAML1-related conditions. ClinVar contains an entry for this variant (Variation ID: 2539852). An algorithm developed to predict the effect of missense changes on protein structure and function (PolyPhen-2) suggests that this variant is likely to be tolerated. In summary, the available evidence is currently insufficient to determine the role of this variant in disease. Therefore, it has been classified as a Variant of Uncertain Significance.

Ambry Genetics
Classification: Uncertain significance. Last evaluated: 2023-04-24. Review status: criteria provided, single submitter. Criteria: Ambry Variant Classification Scheme 2023. Collection method: clinical testing. Allele origin: germline.